The following is an entry in ClinVar:

ClinVar aggregate classification (germline): Likely benign. Review status: criteria provided, multiple submitters, no conflicts (2 of 4 stars). 2 submissions from 2 submitters: Likely benign (2). Last evaluated 2026-01-28.

Allele frequency attached by ClinVar (database versions not stated): gnomAD exomes below 0.00001 and 0.00001; gnomAD 0.00001 and 0.00002; TOPMed 0.00001; ExAC 0.00002; ESP Exome Variant Server 0.00008; 1000 Genomes Project 30x 0.00016; 1000 Genomes Project 0.00020.
gnomAD v4.1: 12 of 1,612,220 alleles (0.00074%); highest among the groups gnomAD compares: South Asian, 0.0055%; no homozygotes.

Submissions (2):

Labcorp Genetics (formerly Invitae), Labcorp
Classification: Likely benign. Last evaluated: 2026-01-28. Review status: criteria provided, single submitter. Criteria: Invitae Variant Classification Sherloc (09022015). Collection method: clinical testing. Allele origin: germline.

GeneDx
Classification: Likely benign. Last evaluated: 2016-09-16. Review status: criteria provided, single submitter. Criteria: GeneDx Variant Classification (06012015). Collection method: clinical testing. Allele origin: germline. Affected: yes.
Comment: This variant is considered likely benign or benign based on one or more of the following criteria: it is a conservative change, it occurs at a poorly conserved position in the protein, it is predicted to be benign by multiple in silico algorithms, and/or has population frequency not consistent with disease.

NM_024407.5(NDUFS7):c.108C>T (p.Thr36=)

Gene: NDUFS7 (NADH:ubiquinone oxidoreductase core subunit S7; plus strand). Cytogenetic location: 19p13.3.
Variant type: single nucleotide variant.
Coding change: c.108C>T on transcript NM_024407.5 (MANE Select); coding-DNA position 108, C replaced by T.
Protein change: p.Thr36=; no amino-acid change (threonine 36 retained).
Molecular consequence: synonymous variant.
Genome position (GRCh38, 1-based): chr19:1,388,579, C>T. VCF-style: chr19-1388579-C-T. GRCh37 (hg19) VCF-style: chr19-1388578-C-T.
Other names: c.108C>T, p.Thr36= (NM_001363602.2).
Identifiers: ClinVar variation 389047 (VCV000389047.4), dbSNP rs375442011, ClinGen allele CA9043072.